The following is an entry in ClinVar:

NM_001127511.3(APC):c.166-28630C>A

Gene: APC (APC regulator of Wnt signaling pathway; plus strand). Cytogenetic location: 5q22.2.
Variant type: single nucleotide variant.
Coding change: c.166-28630C>A on transcript NM_001127511.3; 28630 bases into the intron before coding-DNA position 166, C replaced by A.
Molecular consequence: intron variant.
Genome position (GRCh38, 1-based): chr5:112,737,696, C>A. VCF-style: chr5-112737696-C-A. GRCh37 (hg19) VCF-style: chr5-112073393-C-A.
Other names: c.-18-17177C>A (NM_001407452.1, NM_001407469.1, NM_001407448.1 and 7 more transcripts); c.166-28630C>A (NM_001407446.1, NM_001354897.2, NM_001354902.2); c.-42-28630C>A (NM_001407453.1); c.-1053-17177C>A (NM_001407470.1, NM_001407472.1).
Identifiers: ClinVar variation 3347234 (VCV003347234.1).

ClinVar aggregate classification (germline): Likely benign (0 of 4 stars; one submission).

Conditions:
APC-related disorder. Also called: APC-related condition.

Submission:

PreventionGenetics, part of Exact Sciences
Classification: Likely benign for APC-related condition. Last evaluated: 2024-09-18. Review status: no assertion criteria provided. Collection method: clinical testing. Allele origin: germline.
Comment: This variant is classified as likely benign based on ACMG/AMP sequence variant interpretation guidelines (Richards et al. 2015 PMID: 25741868, with internal and published modifications).